The following is an entry in ClinVar:

ClinVar aggregate classification (germline): Uncertain significance (1 of 4 stars; one submission).

Submission:

GeneDx
Classification: Uncertain significance. Last evaluated: 2026-04-16. Review status: criteria provided, single submitter. Criteria: GeneDx Variant Classification Process June 2021. Collection method: clinical testing. Allele origin: germline.
Comment: Not observed at significant frequency in large population cohorts (gnomAD); In silico analysis supports that this missense variant has a deleterious effect on protein structure/function; Has not been previously published as pathogenic or benign to our knowledge

NM_014975.3(MAST1):c.1831G>A (p.Glu611Lys)

Gene: MAST1 (microtubule associated serine/threonine kinase 1; plus strand). Cytogenetic location: 19p13.13.
Variant type: single nucleotide variant.
Coding change: c.1831G>A on transcript NM_014975.3 (MANE Select); coding-DNA position 1831, G replaced by A.
Protein change: p.Glu611Lys; replaces glutamic acid 611 with lysine.
Molecular consequence: missense variant.
Genome position (GRCh38, 1-based): chr19:12,865,743, G>A. VCF-style: chr19-12865743-G-A. GRCh37 (hg19) VCF-style: chr19-12976557-G-A.
Other names: short protein forms E611K.
Identifiers: ClinVar variation 5037183 (VCV005037183.1).